The following is an entry in ClinVar:

ClinVar aggregate classification (germline): Likely benign. Review status: criteria provided, multiple submitters, no conflicts (2 of 4 stars). 4 submissions from 4 submitters: Likely benign (4). Last evaluated 2026-01-31.

Conditions:
Hereditary spastic paraplegia 49 (HSAN9). Also called: NEUROPATHY, HEREDITARY SENSORY AND AUTONOMIC, TYPE IX, WITH DEVELOPMENTAL DELAY; TECPR2-Related Hereditary Sensory and Autonomic Neuropathy with Intellectual Disability; Spastic paraplegia 49, autosomal recessive. Identifiers: Orphanet 320385, MedGen C5190860, MONDO:0014016, OMIM 615031.

Allele frequency attached by ClinVar (database versions not stated): gnomAD 0.00071 and 0.00088; gnomAD exomes 0.00427; 1000 Genomes Project 0.00439; ExAC 0.00942.

Submissions (4):

Labcorp Genetics (formerly Invitae), Labcorp
Classification: Likely benign for Hereditary spastic paraplegia 49. Last evaluated: 2026-01-31. Review status: criteria provided, single submitter. Criteria: Invitae Variant Classification Sherloc (09022015). Collection method: clinical testing. Allele origin: germline.

Blueprint Genetics
Classification: Likely benign. Last evaluated: 2024-11-19. Review status: criteria provided, single submitter. Criteria: ACMG Guidelines, 2015. Collection method: clinical testing. Allele origin: germline.

GeneDx
Classification: Likely benign. Last evaluated: 2022-02-15. Review status: criteria provided, single submitter. Criteria: GeneDx Variant Classification Process June 2021. Collection method: clinical testing. Allele origin: germline. Affected: yes.
Comment: See Variant Classification Assertion Criteria.

Center for Pediatric Genomic Medicine, Children's Mercy Hospital and Clinics
Classification: Likely benign. Last evaluated: 2017-06-05. Review status: criteria provided, single submitter. Criteria: ACMG Guidelines, 2015. Collection method: clinical testing. Allele origin: germline.

NM_014844.5(TECPR2):c.952-18T>G

Gene: TECPR2 (tectonin beta-propeller repeat containing 2; plus strand). Cytogenetic location: 14q32.31.
Variant type: single nucleotide variant.
Coding change: c.952-18T>G on transcript NM_014844.5 (MANE Select); 18 bases into the intron before coding-DNA position 952, T replaced by G.
Molecular consequence: intron variant.
Genome position (GRCh38, 1-based): chr14:102,428,232, T>G. VCF-style: chr14-102428232-T-G. GRCh37 (hg19) VCF-style: chr14-102894569-T-G.
Other names: c.952-18T>G (NM_001172631.3).
Identifiers: ClinVar variation 445658 (VCV000445658.9), dbSNP rs564260248, ClinGen allele CA7357605.